The following is an entry in ClinVar:

ClinVar aggregate classification (germline): Uncertain significance (1 of 4 stars; one submission).

Conditions:
Infantile-onset X-linked spinal muscular atrophy. Also called: AMC, DISTAL, X-LINKED; ARTHROGRYPOSIS, X-LINKED, TYPE I; SPINAL MUSCULAR ATROPHY, X-LINKED LETHAL INFANTILE; Spinal Muscular Atrophy, X-Linked Infantile; Spinal muscular atrophy, X-linked 2. Identifiers: Orphanet 1145, MedGen C1844934, MONDO:0010532, OMIM 301830.

Allele frequency attached by ClinVar (database versions not stated): gnomAD exomes 0.00001.
gnomAD v4.1: 8 of 1,212,459 alleles (0.00066%); highest among the groups gnomAD compares: Admixed American, 0.0022%; no homozygotes.

Submission:

Labcorp Genetics (formerly Invitae), Labcorp
Classification: Uncertain significance for Infantile-onset X-linked spinal muscular atrophy. Last evaluated: 2025-01-23. Review status: criteria provided, single submitter. Criteria: Invitae Variant Classification Sherloc (09022015). Collection method: clinical testing. Allele origin: germline.
Comment: This sequence change replaces glycine, which is neutral and non-polar, with serine, which is neutral and polar, at codon 45 of the UBA1 protein (p.Gly45Ser). This variant is present in population databases (no rsID available, gnomAD 0.004%). This variant has not been reported in the literature in individuals affected with UBA1-related conditions. ClinVar contains an entry for this variant (Variation ID: 2418337). An algorithm developed to predict the effect of missense changes on protein structure and function (PolyPhen-2) suggests that this variant is likely to be tolerated. In summary, the available evidence is currently insufficient to determine the role of this variant in disease. Therefore, it has been classified as a Variant of Uncertain Significance.

NM_003334.4(UBA1):c.133G>A (p.Gly45Ser)

Genes: UBA1 (ubiquitin like modifier activating enzyme 1; plus strand), LOC126863253 (CDK7 strongly-dependent group 2 enhancer GRCh37_chrX:47057593-47058792; plus strand). Cytogenetic location: Xp11.3.
Variant type: single nucleotide variant.
Coding change: c.133G>A on transcript NM_003334.4 (MANE Select); coding-DNA position 133, G replaced by A.
Protein change: p.Gly45Ser; replaces glycine 45 with serine.
Molecular consequence: missense variant.
Genome position (GRCh38, 1-based): chrX:47,199,063, G>A. VCF-style: chrX-47199063-G-A. GRCh37 (hg19) VCF-style: chrX-47058462-G-A.
Other names: c.133G>A, p.Gly45Ser (NM_153280.3); short protein forms G45S.
Identifiers: ClinVar variation 2418337 (VCV002418337.5), dbSNP rs1556786554, ClinGen allele CA412786717.
Genomic context (GRCh38, chrX:47,199,063, plus strand): 5'-ACTCCTGTGTGTCTCCCTAAACTTGTTCTTTTCCTCTATTCCTAGGGAATGGCCAAGAAC[G>A]GCAGTGAAGCAGACATAGACGAGGGCCTTTACTCCCGGCAGCTGTAAGTGGGGCCAAGGC-3'
Protein context (NP_003325.2, residues 35-55): SVPTNGMAKN[Gly45Ser]SEADIDEGLY